The following is an entry in ClinVar:

ClinVar aggregate classification (germline): Pathogenic (1 of 4 stars; one submission).

Conditions:
Pontocerebellar hypoplasia type 2E. Identifiers: Orphanet 247198, MedGen C4014488, MONDO:0014370, OMIM 615851.

Submission:

Myriad Genetics, Inc.
Classification: Pathogenic for Pontocerebellar hypoplasia type 2E. Last evaluated: 2025-02-13. Review status: criteria provided, single submitter. Criteria: Myriad Autosomal Dominant, Autosomal Recessive and X-Linked Classification Criteria (2023). Collection method: clinical testing. Allele origin: unknown.
Comment: NM_001128159.2(VPS53):c.1311delC(D437Efs*7) is expected to be pathogenic in the context of pontocerebellar hypoplasia, VPS53-related. This variant is predicted to lead to an abnormal or absent protein product due to the creation of a premature termination codon in VPS53, a gene where loss-of-function variants are known to be pathogenic. Please note: this variant was assessed in the context of healthy population screening.

NM_001128159.3(VPS53):c.1311del (p.Asp437fs)

Gene: VPS53 (VPS53 subunit of GARP complex; minus strand). Cytogenetic location: 17p13.3.
Variant type: Deletion.
Coding change: c.1311del on transcript NM_001128159.3 (MANE Select); coding-DNA position 1311, one base deleted (C; older notation c.1311delC).
Protein change: p.Asp437fs; shifts the reading frame from aspartic acid 437.
Molecular consequence: frameshift variant.
Genome position (GRCh38, 1-based): chr17:586,272, G deleted on the plus strand (C on the coding strand, the reverse complement: VPS53 is on the minus strand). VCF-style (leftmost placement, unchanged base first): chr17-586271-TG-T. GRCh37 (hg19) VCF-style: chr17-489511-TG-T.
Other names: c.1311del, p.Asp437fs (NM_001366253.2); c.717del, p.Asp239fs (NM_001366254.2); c.1224del, p.Asp408fs (NM_018289.4); short protein forms D239fs, D408fs, D437fs.
Identifiers: ClinVar variation 5014096 (VCV005014096.1).